The following is an entry in ClinVar:

NM_016955.4(SEPSECS):c.935-5T>G

Gene: SEPSECS (Sep (O-phosphoserine) tRNA:Sec (selenocysteine) tRNA synthase; minus strand). Cytogenetic location: 4p15.2.
Variant type: single nucleotide variant.
Coding change: c.935-5T>G on transcript NM_016955.4 (MANE Select); 5 bases into the intron before coding-DNA position 935, T replaced by G.
Molecular consequence: intron variant.
Genome position (GRCh38, 1-based): chr4:25,144,870, A>C on the plus strand (T>G on the coding strand, the complement: SEPSECS is on the minus strand). VCF-style: chr4-25144870-A-C. GRCh37 (hg19) VCF-style: chr4-25146492-A-C.
Identifiers: ClinVar variation 130290 (VCV000130290.20), dbSNP rs2302564, ClinGen allele CA155171.
Genomic context (GRCh38, chr4:25,144,870, plus strand): 5'-TCCAAGTGACAATAAAGTAATAAGGACATCTAAAGAAGGTGAAGCTGAAGCTCTTCCTGA[A>C]ATAAGAAGGATAAGTTACATTAAGACTGTGGTGGGGGGGTAGCTTTGGAAATTAAGATTT-3'

ClinVar aggregate classification (germline): Benign. Review status: criteria provided, multiple submitters, no conflicts (2 of 4 stars). 6 submissions from 6 submitters: Benign (4). 2 of the submissions do not count toward it. Last evaluated 2026-02-04.

Conditions:
Pontocerebellar hypoplasia type 2D (PCH2D). Also called: Progressive cerebello-cerebral atrophy. Identifiers: Orphanet 247198, Orphanet 2524, MedGen C3151140, MONDO:0013438, OMIM 613811.

Allele frequency attached by ClinVar (database versions not stated): ESP Exome Variant Server 0.00238; gnomAD exomes 0.00430 and 0.01314; gnomAD 0.00644 and 0.00823; TOPMed 0.00924; ExAC 0.01223; 1000 Genomes Project 30x 0.03342; 1000 Genomes Project 0.03594.
gnomAD v4.1: 7,748 of 1,608,638 alleles (0.48%); highest among the groups gnomAD compares: East Asian, 9.7%; 278 homozygotes.

Submissions (25):

Labcorp Genetics (formerly Invitae), Labcorp
Classification: Benign. Last evaluated: 2026-02-04. Review status: criteria provided, single submitter. Criteria: Invitae Variant Classification Sherloc (09022015). Collection method: clinical testing. Allele origin: germline.

Illumina Laboratory Services, Illumina
Classification: Benign for Pontocerebellar hypoplasia type 2D. Last evaluated: 2018-01-13. Review status: criteria provided, single submitter. Criteria: ICSL Variant Classification Criteria 13 December 2019. Collection method: clinical testing. Allele origin: germline.
Comment: This variant was observed in the ICSL laboratory as part of a predisposition screen in an ostensibly healthy population. It had not been previously curated by ICSL or reported in the Human Gene Mutation Database (HGMD: prior to June 1st, 2018), and was therefore a candidate for classification through an automated scoring system. Utilizing variant allele frequency, disease prevalence and penetrance estimates, and inheritance mode, an automated score was calculated to assess if this variant is too frequent to cause the disease. Based on the score and internal cut-off values, a variant classified as benign is not then subjected to further curation. The score for this variant resulted in a classification of benign for this disease.

GeneDx
Classification: Benign. Last evaluated: 2016-08-02. Review status: criteria provided, single submitter. Criteria: GeneDx Variant Classification (06012015). Collection method: clinical testing. Allele origin: germline. Affected: yes.
Comment: This variant is considered likely benign or benign based on one or more of the following criteria: it is a conservative change, it occurs at a poorly conserved position in the protein, it is predicted to be benign by multiple in silico algorithms, and/or has population frequency not consistent with disease.

Breakthrough Genomics
Classification: Benign. Review status: criteria provided, single submitter. Criteria: ACMG Guidelines, 2015. Collection method: not provided. Allele origin: germline. Inheritance: Autosomal recessive inheritance. Affected: yes.

Natera, Inc.
Classification: Benign for Pontocerebellar hypoplasia type 2d. Last evaluated: 2020-09-16. Review status: no assertion criteria provided. Collection method: clinical testing. Allele origin: germline. Not counted in ClinVar's aggregate classification.

Dr. Peter K. Rogan Lab, Western University
No classification provided (evidence only). Condition: Clear cell carcinoma of kidney. Review status: no classification provided. Collection method: in vitro. Allele origin: not applicable. Functional consequence: retained intron. Not counted in ClinVar's aggregate classification.

Dr. Peter K. Rogan Lab, Western University
No classification provided (evidence only). Condition: Lung cancer. Review status: no classification provided. Collection method: in vitro. Allele origin: not applicable. Functional consequence: retained intron. Not counted in ClinVar's aggregate classification.

Dr. Peter K. Rogan Lab, Western University
No classification provided (evidence only). Condition: Cervical cancer. Review status: no classification provided. Collection method: in vitro. Allele origin: not applicable. Functional consequence: retained intron. Not counted in ClinVar's aggregate classification.

Dr. Peter K. Rogan Lab, Western University
No classification provided (evidence only). Condition: Sarcoma. Review status: no classification provided. Collection method: in vitro. Allele origin: not applicable. Functional consequence: retained intron. Not counted in ClinVar's aggregate classification.

Dr. Peter K. Rogan Lab, Western University
No classification provided (evidence only). Condition: Gastric cancer. Review status: no classification provided. Collection method: in vitro. Allele origin: not applicable. Functional consequence: retained intron. Not counted in ClinVar's aggregate classification.

Dr. Peter K. Rogan Lab, Western University
No classification provided (evidence only). Condition: Gastric cancer. Review status: no classification provided. Collection method: in vitro. Allele origin: not applicable. Functional consequence: retained intron. Not counted in ClinVar's aggregate classification.

Dr. Peter K. Rogan Lab, Western University
No classification provided (evidence only). Condition: Gastric cancer. Review status: no classification provided. Collection method: in vitro. Allele origin: not applicable. Functional consequence: retained intron. Not counted in ClinVar's aggregate classification.

Dr. Peter K. Rogan Lab, Western University
No classification provided (evidence only). Condition: Gastric cancer. Review status: no classification provided. Collection method: in vitro. Allele origin: not applicable. Functional consequence: retained intron. Not counted in ClinVar's aggregate classification.

Dr. Peter K. Rogan Lab, Western University
No classification provided (evidence only). Condition: Gastric cancer. Review status: no classification provided. Collection method: in vitro. Allele origin: not applicable. Functional consequence: retained intron. Not counted in ClinVar's aggregate classification.

Dr. Peter K. Rogan Lab, Western University
No classification provided (evidence only). Condition: Gastric cancer. Review status: no classification provided. Collection method: in vitro. Allele origin: not applicable. Functional consequence: retained intron. Not counted in ClinVar's aggregate classification.

Dr. Peter K. Rogan Lab, Western University
No classification provided (evidence only). Condition: Gastric cancer. Review status: no classification provided. Collection method: in vitro. Allele origin: not applicable. Functional consequence: retained intron. Not counted in ClinVar's aggregate classification.

Dr. Peter K. Rogan Lab, Western University
No classification provided (evidence only). Condition: Familial pancreatic carcinoma. Review status: no classification provided. Collection method: in vitro. Allele origin: not applicable. Functional consequence: retained intron. Not counted in ClinVar's aggregate classification.

Dr. Peter K. Rogan Lab, Western University
No classification provided (evidence only). Condition: Hepatocellular carcinoma. Review status: no classification provided. Collection method: in vitro. Allele origin: not applicable. Functional consequence: retained intron. Not counted in ClinVar's aggregate classification.

Dr. Peter K. Rogan Lab, Western University
No classification provided (evidence only). Condition: Hepatocellular carcinoma. Review status: no classification provided. Collection method: in vitro. Allele origin: not applicable. Functional consequence: retained intron. Not counted in ClinVar's aggregate classification.

Dr. Peter K. Rogan Lab, Western University
No classification provided (evidence only). Condition: Hepatocellular carcinoma. Review status: no classification provided. Collection method: in vitro. Allele origin: not applicable. Functional consequence: retained intron. Not counted in ClinVar's aggregate classification.

Dr. Peter K. Rogan Lab, Western University
No classification provided (evidence only). Condition: Hepatocellular carcinoma. Review status: no classification provided. Collection method: in vitro. Allele origin: not applicable. Functional consequence: retained intron. Not counted in ClinVar's aggregate classification.

Dr. Peter K. Rogan Lab, Western University
No classification provided (evidence only). Condition: Hepatocellular carcinoma. Review status: no classification provided. Collection method: in vitro. Allele origin: not applicable. Functional consequence: retained intron. Not counted in ClinVar's aggregate classification.

Dr. Peter K. Rogan Lab, Western University
No classification provided (evidence only). Condition: Hepatocellular carcinoma. Review status: no classification provided. Collection method: in vitro. Allele origin: not applicable. Functional consequence: retained intron. Not counted in ClinVar's aggregate classification.

Dr. Peter K. Rogan Lab, Western University
No classification provided (evidence only). Condition: Hepatocellular carcinoma. Review status: no classification provided. Collection method: in vitro. Allele origin: not applicable. Functional consequence: retained intron. Not counted in ClinVar's aggregate classification.

Genetic Services Laboratory, University of Chicago
Classification: Likely benign for AllHighlyPenetrant. Review status: no assertion criteria provided. Collection method: clinical testing. Allele origin: germline. Inheritance: Autosomal recessive inheritance. Not counted in ClinVar's aggregate classification.
Comment: Likely benign based on allele frequency in 1000 Genomes Project or ESP global frequency and its presence in a patient with a rare or unrelated disease phenotype. NOT Sanger confirmed.